The following is an entry in ClinVar:

ClinVar aggregate classification (germline): Uncertain significance (0 of 4 stars; one submission).

Conditions:
SEMA3G-related disorder. Also called: SEMA3G-related condition.

Submission:

PreventionGenetics, part of Exact Sciences
Classification: Uncertain significance for SEMA3G-related condition. Last evaluated: 2024-06-26. Review status: no assertion criteria provided. Collection method: clinical testing. Allele origin: germline.
Comment: The SEMA3G c.272G>T variant is predicted to result in the amino acid substitution p.Arg91Leu. To our knowledge, this variant has not been reported in the literature or in a large population database, indicating this variant is rare. At this time, the clinical significance of this variant is uncertain due to the absence of conclusive functional and genetic evidence.

NM_020163.3(SEMA3G):c.272G>T (p.Arg91Leu)

Gene: SEMA3G (semaphorin 3G; minus strand). Cytogenetic location: 3p21.1.
Variant type: single nucleotide variant.
Coding change: c.272G>T on transcript NM_020163.3 (MANE Select); coding-DNA position 272, G replaced by T.
Protein change: p.Arg91Leu; replaces arginine 91 with leucine.
Molecular consequence: missense variant.
Genome position (GRCh38, 1-based): chr3:52,442,751, C>A on the plus strand (G>T on the coding strand, the complement: SEMA3G is on the minus strand). VCF-style: chr3-52442751-C-A. GRCh37 (hg19) VCF-style: chr3-52476767-C-A.
Other names: short protein forms R91L.
Identifiers: ClinVar variation 3355044 (VCV003355044.1).